The following is an entry in ClinVar:

NM_138927.4(SON):c.5872C>T (p.Arg1958Cys)

Gene: SON (SON DNA and RNA binding protein; plus strand). Cytogenetic location: 21q22.11.
Variant type: single nucleotide variant.
Coding change: c.5872C>T on transcript NM_138927.4 (MANE Select); coding-DNA position 5872, C replaced by T.
Protein change: p.Arg1958Cys; replaces arginine 1958 with cysteine.
Molecular consequence: missense variant. On other transcripts: non-coding transcript variant (1), intron variant (1).
Genome position (GRCh38, 1-based): chr21:33,555,103, C>T. VCF-style: chr21-33555103-C-T. GRCh37 (hg19) VCF-style: chr21-34927409-C-T.
Other names: c.5872C>T, p.Arg1958Cys (NM_001291411.2, NM_032195.3); c.245-2053C>T (NM_001291412.3); short protein forms R1958C.
Identifiers: ClinVar variation 4696633 (VCV004696633.1).

ClinVar aggregate classification (germline): Uncertain significance (1 of 4 stars; one submission).

Submission:

Labcorp Genetics (formerly Invitae), Labcorp
Classification: Uncertain significance. Last evaluated: 2025-12-16. Review status: criteria provided, single submitter. Criteria: Invitae Variant Classification Sherloc (09022015). Collection method: clinical testing. Allele origin: germline.
Comment: This sequence change replaces arginine, which is basic and polar, with cysteine, which is neutral and slightly polar, at codon 1958 of the SON protein (p.Arg1958Cys). This variant is present in population databases (rs764886523, gnomAD 0.007%). This variant has not been reported in the literature in individuals affected with SON-related conditions. Experimental studies and prediction algorithms are not available or were not evaluated, and the functional significance of this variant is currently unknown. In summary, the available evidence is currently insufficient to determine the role of this variant in disease. Therefore, it has been classified as a Variant of Uncertain Significance.